The following is an entry in ClinVar:

ClinVar aggregate classification (germline): Uncertain significance. Review status: criteria provided, multiple submitters, no conflicts (2 of 4 stars). 2 submissions from 2 submitters: Uncertain significance (2). Last evaluated 2025-05-27.

Conditions:
Colorectal cancer, hereditary nonpolyposis, type 7. Identifiers: Orphanet 144, MedGen C1858380, MONDO:0013725, OMIM 614385.

Allele frequency attached by ClinVar (database versions not stated): gnomAD below 0.00001 and 0.00001; gnomAD exomes below 0.00001 and 0.00001.
gnomAD v4.1: 14 of 1,614,070 alleles (0.00087%); highest among the groups gnomAD compares: South Asian, 0.013%; no homozygotes.

Submissions (2):

Ambry Genetics
Classification: Uncertain significance. Last evaluated: 2025-05-27. Review status: criteria provided, single submitter. Criteria: Ambry Variant Classification Scheme 2023. Collection method: clinical testing. Allele origin: germline.
Comment: The p.V1085A variant (also known as c.3254T>C), located in coding exon 1 of the MLH3 gene, results from a T to C substitution at nucleotide position 3254. The valine at codon 1085 is replaced by alanine, an amino acid with similar properties. This amino acid position is conserved. In addition, this alteration is predicted to be tolerated by in silico analysis. Since supporting evidence is limited at this time, the clinical significance of this alteration remains unclear.

Labcorp Genetics (formerly Invitae), Labcorp
Classification: Uncertain significance for Colorectal cancer, hereditary nonpolyposis, type 7. Last evaluated: 2024-10-15. Review status: criteria provided, single submitter. Criteria: Invitae Variant Classification Sherloc (09022015). Collection method: clinical testing. Allele origin: germline.
Comment: This sequence change replaces valine, which is neutral and non-polar, with alanine, which is neutral and non-polar, at codon 1085 of the MLH3 protein (p.Val1085Ala). This variant is present in population databases (no rsID available, gnomAD 0.003%). This variant has not been reported in the literature in individuals affected with MLH3-related conditions. ClinVar contains an entry for this variant (Variation ID: 644919). An algorithm developed to predict the effect of missense changes on protein structure and function (PolyPhen-2) suggests that this variant is likely to be tolerated. In summary, the available evidence is currently insufficient to determine the role of this variant in disease. Therefore, it has been classified as a Variant of Uncertain Significance.

NM_001040108.2(MLH3):c.3254T>C (p.Val1085Ala)

Gene: MLH3 (mutL homolog 3; minus strand). Cytogenetic location: 14q24.3.
Variant type: single nucleotide variant.
Coding change: c.3254T>C on transcript NM_001040108.2 (MANE Select); coding-DNA position 3254, T replaced by C.
Protein change: p.Val1085Ala; replaces valine 1085 with alanine.
Molecular consequence: missense variant.
Genome position (GRCh38, 1-based): chr14:75,046,402, A>G on the plus strand (T>C on the coding strand, the complement: MLH3 is on the minus strand). VCF-style: chr14-75046402-A-G. GRCh37 (hg19) VCF-style: chr14-75513105-A-G.
Other names: c.3254T>C, p.Val1085Ala (NM_014381.3); short protein forms V1085A.
Identifiers: ClinVar variation 644919 (VCV000644919.12), dbSNP rs1204014345, ClinGen allele CA390434296.